The following is an entry in ClinVar:

ClinVar aggregate classification (germline): Pathogenic (1 of 4 stars; one submission).

Conditions:
Pontocerebellar hypoplasia type 1A (PCH1A). Also called: PONTOCEREBELLAR HYPOPLASIA WITH ANTERIOR HORN CELL DISEASE; PONTOCEREBELLAR HYPOPLASIA WITH INFANTILE SPINAL MUSCULAR ATROPHY. Identifiers: Orphanet 2254, Orphanet 88616, MedGen C1843504, MONDO:0011866, OMIM 607596.

Submission:

Labcorp Genetics (formerly Invitae), Labcorp
Classification: Pathogenic for Pontocerebellar hypoplasia type 1A. Last evaluated: 2022-06-08. Review status: criteria provided, single submitter. Criteria: Invitae Variant Classification Sherloc (09022015). Collection method: clinical testing. Allele origin: germline.
Comment: For these reasons, this variant has been classified as Pathogenic. This variant has not been reported in the literature in individuals affected with VRK1-related conditions. This variant is not present in population databases (gnomAD no frequency). This sequence change creates a premature translational stop signal (p.Thr355Asnfs*9) in the VRK1 gene. It is expected to result in an absent or disrupted protein product. Loss-of-function variants in VRK1 are known to be pathogenic (PMID: 19646678, 24126608, 27281532).

Literature cited by the submitters: PubMed 19646678; PubMed 24126608; PubMed 27281532.

NM_003384.3(VRK1):c.1061dup (p.Thr355fs)

Gene: VRK1 (VRK serine/threonine kinase 1; plus strand). Cytogenetic location: 14q32.2.
Variant type: Duplication.
Coding change: c.1061dup on transcript NM_003384.3 (MANE Select); coding-DNA position 1061, one base duplicated (T; older notation c.1061dupT).
Protein change: p.Thr355fs; shifts the reading frame from threonine 355.
Molecular consequence: frameshift variant.
Genome position (GRCh38, 1-based): chr14:96,860,728, T duplicated. VCF-style (leftmost placement, unchanged base first): chr14-96860727-A-AT. GRCh37 (hg19) VCF-style: chr14-97327064-A-AT.
Other names: c.1061dup, p.Thr355Asnfs (NM_001411051.1, NM_001411053.1); short protein forms T355fs.
Identifiers: ClinVar variation 2003519 (VCV002003519.4), dbSNP rs2504210475, ClinGen allele CA2580089068.
Genomic context (GRCh38, chr14:96,860,727, plus strand): 5'-AAGGATGATGGCAAATTGGACCTCAGTGTTGTGGAGAATGGAGGTTTGAAAGCAAAAACA[A>AT]TAACAAAGGTGAATTTTGTTATTAAATTATTCTTTGGTCTTCTTGTGTTTATAATTGCAA-3'